The following is an entry in ClinVar:

NM_001122769.3(LCA5):c.292G>C (p.Asp98His)

Gene: LCA5 (lebercilin LCA5; minus strand). Cytogenetic location: 6q14.1.
Variant type: single nucleotide variant.
Coding change: c.292G>C on transcript NM_001122769.3 (MANE Select); coding-DNA position 292, G replaced by C.
Protein change: p.Asp98His; replaces aspartic acid 98 with histidine.
Molecular consequence: missense variant.
Genome position (GRCh38, 1-based): chr6:79,513,640, C>G on the plus strand (G>C on the coding strand, the complement: LCA5 is on the minus strand). VCF-style: chr6-79513640-C-G. GRCh37 (hg19) VCF-style: chr6-80223357-C-G.
Other names: c.292G>C, p.Asp98His (NM_181714.4); short protein forms D98H.
Identifiers: ClinVar variation 2071439 (VCV002071439.4), dbSNP rs748471754, ClinGen allele CA3901146.

ClinVar aggregate classification (germline): Uncertain significance (1 of 4 stars; one submission).

Allele frequency attached by ClinVar (database versions not stated): ExAC 0.00001; gnomAD exomes below 0.00001.
gnomAD v4.1: 1 of 1,613,838 alleles (0.000062%); highest among the groups gnomAD compares: East Asian, 0.0022%; no homozygotes.

Submission:

Labcorp Genetics (formerly Invitae), Labcorp
Classification: Uncertain significance. Last evaluated: 2022-04-19. Review status: criteria provided, single submitter. Criteria: Invitae Variant Classification Sherloc (09022015). Collection method: clinical testing. Allele origin: germline.
Comment: In summary, the available evidence is currently insufficient to determine the role of this variant in disease. Therefore, it has been classified as a Variant of Uncertain Significance. Algorithms developed to predict the effect of missense changes on protein structure and function are either unavailable or do not agree on the potential impact of this missense change (SIFT: "Deleterious"; PolyPhen-2: "Probably Damaging"; Align-GVGD: "Class C0"). This variant has not been reported in the literature in individuals affected with LCA5-related conditions. This variant is present in population databases (rs748471754, gnomAD 0.0009%). This sequence change replaces aspartic acid, which is acidic and polar, with histidine, which is basic and polar, at codon 98 of the LCA5 protein (p.Asp98His).